The following is an entry in ClinVar:

ClinVar aggregate classification (germline): Uncertain significance. Review status: criteria provided, multiple submitters, no conflicts (2 of 4 stars). 2 submissions from 2 submitters: Uncertain significance (2). Last evaluated 2021-11-30.

Conditions:
Duchenne muscular dystrophy (DMD). Also called: Duchenne Muscular Dystrophy (DMD); MUSCULAR DYSTROPHY, PSEUDOHYPERTROPHIC PROGRESSIVE, DUCHENNE TYPE. Identifiers: Orphanet 98896, MedGen C0013264, MONDO:0010679, OMIM 310200.

Allele frequency attached by ClinVar (database versions not stated): TOPMed below 0.00001.

Submissions (2):

Labcorp Genetics (formerly Invitae), Labcorp
Classification: Uncertain significance for Duchenne muscular dystrophy. Last evaluated: 2021-11-30. Review status: criteria provided, single submitter. Criteria: Invitae Variant Classification Sherloc (09022015). Collection method: clinical testing. Allele origin: germline.
Comment: Algorithms developed to predict the effect of sequence changes on RNA splicing suggest that this variant may create or strengthen a splice site. Algorithms developed to predict the effect of missense changes on protein structure and function output the following: SIFT: "Tolerated"; PolyPhen-2: "Benign"; Align-GVGD: "Class C0". The valine amino acid residue is found in multiple mammalian species, which suggests that this missense change does not adversely affect protein function. In summary, the available evidence is currently insufficient to determine the role of this variant in disease. Therefore, it has been classified as a Variant of Uncertain Significance. This sequence change replaces isoleucine, which is neutral and non-polar, with valine, which is neutral and non-polar, at codon 2169 of the DMD protein (p.Ile2169Val). This variant is not present in population databases (gnomAD no frequency). This variant has not been reported in the literature in individuals affected with DMD-related conditions.

Breakthrough Genomics
Classification: Uncertain significance. Review status: criteria provided, single submitter. Criteria: ACMG Guidelines, 2015. Collection method: not provided. Allele origin: germline. Inheritance: X-linked inheritance. Affected: yes.

NM_004006.3(DMD):c.6505A>G (p.Ile2169Val)

Gene: DMD (dystrophin; minus strand). Cytogenetic location: Xp21.1.
Variant type: single nucleotide variant.
Coding change: c.6505A>G on transcript NM_004006.3 (MANE Select); coding-DNA position 6505, A replaced by G.
Protein change: p.Ile2169Val; replaces isoleucine 2169 with valine.
Molecular consequence: missense variant. On other transcripts: 5 prime UTR variant (5).
Genome position (GRCh38, 1-based): chrX:31,968,448, T>C on the plus strand (A>G on the coding strand, the complement: DMD is on the minus strand). VCF-style: chrX-31968448-T-C. GRCh37 (hg19) VCF-style: chrX-31986565-T-C.
Other names: c.6481A>G, p.Ile2161Val (NM_000109.4); c.6493A>G, p.Ile2165Val (NM_004009.3); c.6136A>G, p.Ile2046Val (NM_004010.3); c.2482A>G, p.Ile828Val (NM_004011.4); c.2473A>G, p.Ile825Val (NM_004012.4); c.-876A>G (NM_004013.3, NM_004020.4, NM_004021.3 and 2 more transcripts); short protein forms I828V, I2161V, I2165V, I825V, I2046V, I2169V.
Identifiers: ClinVar variation 1443070 (VCV001443070.7), dbSNP rs2095370242, ClinGen allele CA412659701.